The following is an entry in ClinVar:

ClinVar aggregate classification (germline): Uncertain significance. Review status: criteria provided, multiple submitters, no conflicts (2 of 4 stars). 2 submissions from 2 submitters: Uncertain significance (2). Last evaluated 2025-03-31.

Conditions:
Multiple congenital exostosis (EXT). Also called: Multiple osteochondromas; Hereditary multiple exostoses; Hereditary multiple exostosis; MULTIPLE CARTILAGINOUS EXOSTOSES; Hereditary multiple osteochondromas; Multiple exostoses. Identifiers: Orphanet 321, MedGen C0015306, MONDO:0005508, HP:0002762.

Allele frequency attached by ClinVar (database versions not stated): gnomAD exomes below 0.00001.

Submissions (2):

Labcorp Genetics (formerly Invitae), Labcorp
Classification: Uncertain significance for Multiple congenital exostosis. Last evaluated: 2025-03-31. Review status: criteria provided, single submitter. Criteria: Invitae Variant Classification Sherloc (09022015). Collection method: clinical testing. Allele origin: germline.
Comment: This sequence change replaces asparagine, which is neutral and polar, with aspartic acid, which is acidic and polar, at codon 173 of the EXT1 protein (p.Asn173Asp). This variant is present in population databases (no rsID available, gnomAD 0.0009%). This variant has not been reported in the literature in individuals affected with EXT1-related conditions. ClinVar contains an entry for this variant (Variation ID: 1319533). Invitae Evidence Modeling of protein sequence and biophysical properties (such as structural, functional, and spatial information, amino acid conservation, physicochemical variation, residue mobility, and thermodynamic stability) indicates that this missense variant is expected to disrupt EXT1 protein function with a positive predictive value of 80%. In summary, the available evidence is currently insufficient to determine the role of this variant in disease. Therefore, it has been classified as a Variant of Uncertain Significance.

Institute for Clinical Genetics, University Hospital TU Dresden, University Hospital TU Dresden
Classification: Uncertain significance. Last evaluated: 2021-11-03. Review status: criteria provided, single submitter. Criteria: ACMG Guidelines, 2015. Collection method: clinical testing. Allele origin: germline.

NM_000127.3(EXT1):c.517A>G (p.Asn173Asp)

Gene: EXT1 (exostosin glycosyltransferase 1; minus strand). Cytogenetic location: 8q24.11.
Variant type: single nucleotide variant.
Coding change: c.517A>G on transcript NM_000127.3 (MANE Select); coding-DNA position 517, A replaced by G.
Protein change: p.Asn173Asp; replaces asparagine 173 with aspartic acid.
Molecular consequence: missense variant.
Genome position (GRCh38, 1-based): chr8:118,110,530, T>C on the plus strand (A>G on the coding strand, the complement: EXT1 is on the minus strand). VCF-style: chr8-118110530-T-C. GRCh37 (hg19) VCF-style: chr8-119122769-T-C.
Other names: short protein forms N173D.
Identifiers: ClinVar variation 1319533 (VCV001319533.6), dbSNP rs1448140995, ClinGen allele CA371915673.